The following is an entry in ClinVar:

ClinVar aggregate classification (germline): Uncertain significance (1 of 4 stars; one submission).

Submission:

Labcorp Genetics (formerly Invitae), Labcorp
Classification: Uncertain significance. Last evaluated: 2022-05-04. Review status: criteria provided, single submitter. Criteria: Invitae Variant Classification Sherloc (09022015). Collection method: clinical testing. Allele origin: germline.
Comment: This variant is not present in population databases (gnomAD no frequency). This variant has not been reported in the literature in individuals affected with RARS-related conditions. Algorithms developed to predict the effect of missense changes on protein structure and function are either unavailable or do not agree on the potential impact of this missense change (SIFT: "Tolerated"; PolyPhen-2: "Possibly Damaging"; Align-GVGD: "Class C0"). In summary, the available evidence is currently insufficient to determine the role of this variant in disease. Therefore, it has been classified as a Variant of Uncertain Significance. This sequence change replaces lysine, which is basic and polar, with isoleucine, which is neutral and non-polar, at codon 504 of the RARS protein (p.Lys504Ile).

NM_002887.4(RARS1):c.1511A>T (p.Lys504Ile)

Gene: RARS1 (arginyl-tRNA synthetase 1; plus strand). Cytogenetic location: 5q34.
Variant type: single nucleotide variant.
Coding change: c.1511A>T on transcript NM_002887.4 (MANE Select); coding-DNA position 1511, A replaced by T.
Protein change: p.Lys504Ile; replaces lysine 504 with isoleucine.
Molecular consequence: missense variant.
Genome position (GRCh38, 1-based): chr5:168,516,836, A>T. VCF-style: chr5-168516836-A-T. GRCh37 (hg19) VCF-style: chr5-167943841-A-T.
Other names: short protein forms K504I.
Identifiers: ClinVar variation 1952150 (VCV001952150.5), dbSNP rs1758675795, ClinGen allele CA362084900.